The following is an entry in ClinVar:

ClinVar aggregate classification (germline): Benign/Likely benign. Review status: criteria provided, multiple submitters, no conflicts (2 of 4 stars). 12 submissions from 12 submitters: Benign (7); Likely benign (2). 3 of the submissions do not count toward it. Last evaluated 2025-10-28.

Conditions:
Hereditary cancer-predisposing syndrome. Also called: Hereditary Cancer Syndrome; Tumor predisposition; Neoplastic Syndromes, Hereditary; Hereditary neoplastic syndrome. Identifiers: Orphanet 140162, MedGen C0027672, MeSH D009386, MONDO:0015356.
Breast and/or ovarian cancer. Identifiers: MedGen CN221562.
Ataxia-telangiectasia syndrome (AT). Also called: LOUIS-BAR SYNDROME; Ataxia telangiectasia (A-T); Cerebello-oculocutaneous telangiectasia; Immunodeficiency with ataxia telangiectasia; Ataxia-telangiectasia, complementation group E; ATAXIA-TELANGIECTASIA, COMPLEMENTATION GROUP A. Identifiers: Orphanet 100, MedGen C0004135, MONDO:0008840, OMIM 208900.
ATM-related cancer predisposition. Also called: ATM-related cancer susceptibility. Identifiers: MedGen CN377759, MONDO:0700270.

Submissions (12):

Dasa
Classification: Benign for ATM-related cancer predisposition. Last evaluated: 2025-10-28. Review status: criteria provided, single submitter. Criteria: DASA Assertion Criteria. Collection method: clinical testing. Allele origin: germline.
Comment: NM_000051.4(ATM):c.2922-8del is interpreted as benign based on a combination of available evidence, including population frequency. Based on the available data, this variant is classified as benign.

Molecular Diagnostics Laboratory, Catalan Institute of Oncology
Classification: Benign for Hereditary cancer-predisposing syndrome. Last evaluated: 2025-07-21. Review status: criteria provided, single submitter. Criteria: ClinGen ACMG Specifications ATM V1.1.0. Collection method: clinical testing. Allele origin: germline.
Comment: BA1, BP4 ATM c.2922-8del is an intronic variant surrounding a homopolymer. This variant is found in 11062/23852 alleles, at a frequency of 46% in the gnomAD v2.1.1 database, South Asian non-cancer dataset (BA1). The SpliceAI algorithm predicts no significant impact on splicing (BP4). To our knowledge, functional studies have not been performed for this variant. This variant has been reported in ClinVar database (7x benign, 3x likely benign) but it is not present in the LOVD database. Based on currently available information, c.2922-8del is classified as a benign variant according to ClinGen-ATM Guidelines version 1.1.

Center for Genomic Medicine, Rigshospitalet, Copenhagen University Hospital
Classification: Benign. Last evaluated: 2025-03-04. Review status: criteria provided, single submitter. Criteria: ACMG Guidelines, 2015. Collection method: clinical testing. Allele origin: germline.

Unidad de Genómica Garrahan, Hospital de Pediatría Garrahan
Classification: Benign. Last evaluated: 2023-11-12. Review status: criteria provided, single submitter. Criteria: ACMG Guidelines, 2015. Collection method: clinical testing. Allele origin: germline. Affected: no. Observed: 60 variant alleles.
Comment: This variant is classified as Benign based on local population frequency. This variant was detected in 63% of patients studied by a panel of primary immunodeficiencies. Number of patients: 60. Only high quality variants are reported.

Women's Health and Genetics/Laboratory Corporation of America, LabCorp
Classification: Benign. Last evaluated: 2021-12-03. Review status: criteria provided, single submitter. Criteria: LabCorp Variant Classification Summary - May 2015. Collection method: clinical testing. Allele origin: germline.

CHEO Genetics Diagnostic Laboratory, Children's Hospital of Eastern Ontario
Classification: Benign for Breast and/or ovarian cancer. Last evaluated: 2021-07-07. Review status: criteria provided, single submitter. Criteria: ACMG Guidelines, 2015. Collection method: clinical testing. Allele origin: germline.

GeneDx
Classification: Likely benign. Last evaluated: 2019-08-25. Review status: criteria provided, single submitter. Criteria: GeneDx Variant Classification Process June 2021. Collection method: clinical testing. Allele origin: germline. Affected: yes.

Mendelics
Classification: Benign for Ataxia-telangiectasia syndrome. Last evaluated: 2019-05-28. Review status: criteria provided, single submitter. Criteria: Mendelics Assertion Criteria 2017. Collection method: clinical testing. Allele origin: unknown.

Color Diagnostics, LLC DBA Color Health
Classification: Likely benign for Hereditary cancer-predisposing syndrome. Last evaluated: 2016-09-19. Review status: criteria provided, single submitter. Criteria: ACMG Guidelines, 2015. Collection method: clinical testing. Allele origin: germline.

Clinical Genetics Laboratory, Department of Pathology, Netherlands Cancer Institute
Classification: Benign. Review status: no assertion criteria provided. Collection method: clinical testing. Allele origin: germline. Affected: yes. Study: VKGL Data-share Consensus. Not counted in ClinVar's aggregate classification.

Clinical Genetics, Academic Medical Center
Classification: Benign. Review status: no assertion criteria provided. Collection method: clinical testing. Allele origin: germline. Affected: yes. Study: VKGL Data-share Consensus. Not counted in ClinVar's aggregate classification.

Laboratory of Diagnostic Genome Analysis, Leiden University Medical Center (LUMC)
Classification: Likely benign. Review status: no assertion criteria provided. Collection method: clinical testing. Allele origin: germline. Affected: yes. Study: VKGL Data-share Consensus. Not counted in ClinVar's aggregate classification.

NM_000051.4(ATM):c.2922-8del

Gene: ATM (ATM serine/threonine kinase; plus strand). Cytogenetic location: 11q22.3.
Variant type: Deletion.
Coding change: c.2922-8del on transcript NM_000051.4 (MANE Select); 8 bases into the intron before coding-DNA position 2922, one base deleted (T; older notation c.2922-8delT).
Molecular consequence: intron variant.
Genome position (GRCh38, 1-based): chr11:108,271,243, T deleted; the last of 15 consecutive T bases (chr11:108,271,229-108,271,243); deleting any one gives the same sequence. VCF-style (leftmost placement, unchanged base first): chr11-108271228-CT-C. GRCh37 (hg19) VCF-style: chr11-108141955-CT-C.
Other names: c.2922-8delT (NM_000051.4, NM_000051.3); c.2922-8del (NM_000051.3, NM_001351834.2); c.2922-22delT (NM_000051.3).
Identifiers: ClinVar variation 490504 (VCV000490504.20), dbSNP rs373881770, ClinGen allele CA6265148.